The following is an entry in ClinVar:

ClinVar aggregate classification (germline): Conflicting classifications of pathogenicity. Review status: criteria provided, conflicting classifications (1 of 4 stars). 3 submissions from 3 submitters: Uncertain significance (2); Likely benign (1). Last evaluated 2024-05-22.

Conditions:
Inborn genetic diseases. Identifiers: MedGen C0950123, MeSH D030342.

Submissions (3):

GeneDx
Classification: Uncertain significance. Last evaluated: 2024-05-22. Review status: criteria provided, single submitter. Criteria: GeneDx Variant Classification Process June 2021. Collection method: clinical testing. Allele origin: germline. Affected: yes.
Comment: In silico analysis supports that this missense variant has a deleterious effect on protein structure/function; Has not been previously published as pathogenic or benign to our knowledge

Ambry Genetics
Classification: Likely benign for Inborn genetic diseases. Last evaluated: 2024-03-28. Review status: criteria provided, single submitter. Criteria: Ambry Variant Classification Scheme 2023. Collection method: clinical testing. Allele origin: germline.

Blueprint Genetics
Classification: Uncertain significance. Last evaluated: 2021-11-10. Review status: criteria provided, single submitter. Criteria: ACMG Guidelines, 2015. Collection method: clinical testing. Allele origin: germline.

NM_031407.7(HUWE1):c.3547T>C (p.Ser1183Pro)

Gene: HUWE1 (HECT, UBA and WWE domain containing E3 ubiquitin protein ligase 1; minus strand). Cytogenetic location: Xp11.22.
Variant type: single nucleotide variant.
Coding change: c.3547T>C on transcript NM_031407.7 (MANE Select); coding-DNA position 3547, T replaced by C.
Protein change: p.Ser1183Pro; replaces serine 1183 with proline.
Molecular consequence: missense variant.
Genome position (GRCh38, 1-based): chrX:53,593,558, A>G on the plus strand (T>C on the coding strand, the complement: HUWE1 is on the minus strand). VCF-style: chrX-53593558-A-G. GRCh37 (hg19) VCF-style: chrX-53620518-A-G.
Other names: short protein forms S1183P.
Identifiers: ClinVar variation 3285092 (VCV003285092.3).